The following is an entry in ClinVar:

ClinVar aggregate classification (germline): Uncertain significance (0 of 4 stars; one submission).

Conditions:
PLXNA4-related disorder. Also called: PLXNA4-related condition.

Submission:

PreventionGenetics, part of Exact Sciences
Classification: Uncertain significance for PLXNA4-related condition. Last evaluated: 2024-05-01. Review status: no assertion criteria provided. Collection method: clinical testing. Allele origin: germline.
Comment: The PLXNA4 c.4872_4874delGAT variant is predicted to result in an in-frame deletion (p.Met1624del). To our knowledge, this variant has not been reported in the literature. This variant is reported in 0.033% of alleles in individuals of European (Non-Finnish) descent in gnomAD. At this time, the clinical significance of this variant is uncertain due to the absence of conclusive functional and genetic evidence.

NM_020911.2(PLXNA4):c.4872_4874del (p.Met1624del)

Gene: PLXNA4 (plexin A4; minus strand). Cytogenetic location: 7q32.3.
Variant type: Deletion.
Coding change: c.4872_4874del on transcript NM_020911.2 (MANE Select); coding-DNA positions 4872 to 4874, 3 bases deleted (GAT; older notation c.4872_4874delGAT).
Protein change: p.Met1624del; deletes methionine 1624.
Molecular consequence: inframe deletion.
Genome position (GRCh38, 1-based): chr7:132,146,691-132,146,693, ATC deleted on the plus strand (GAT on the coding strand, the reverse complement: PLXNA4 is on the minus strand); deleting any 3 consecutive bases within chr7:132,146,691-132,146,695 gives the same sequence; the c. name uses the placement nearest the transcript's 3' end. VCF-style (leftmost placement, unchanged base first): chr7-132146690-GATC-G. GRCh37 (hg19) VCF-style: chr7-131831449-GATC-G.
Other names: c.4872_4874del, p.Met1624del (NM_001393897.1); short protein forms M1624del.
Identifiers: ClinVar variation 3349124 (VCV003349124.1).